The following is an entry in ClinVar:

ClinVar aggregate classification (germline): Uncertain significance. Review status: criteria provided, multiple submitters, no conflicts (2 of 4 stars). 3 submissions from 3 submitters: Uncertain significance (3). Last evaluated 2025-11-16.

Conditions:
Cardiovascular phenotype. Identifiers: MedGen CN230736.
Ehlers-Danlos syndrome (EDS). Identifiers: Orphanet 98249, MedGen C0013720, MONDO:0020066.

gnomAD v4.1: 2 of 1,613,464 alleles (0.00012%); highest among the groups gnomAD compares: Admixed American, 0.0017%; no homozygotes.

Submissions (3):

Mayo Clinic Laboratories, Mayo Clinic
Classification: Uncertain significance. Last evaluated: 2025-11-16. Review status: criteria provided, single submitter. Criteria: ACMG Guidelines, 2015. Collection method: clinical testing. Allele origin: germline. Observed: 1 variant allele.
Comment: PM1_supporting, PM2_supporting

Ambry Genetics
Classification: Uncertain significance for Cardiovascular phenotype. Last evaluated: 2023-11-29. Review status: criteria provided, single submitter. Criteria: Ambry Variant Classification Scheme 2023. Collection method: clinical testing. Allele origin: germline.
Comment: The p.R599C variant (also known as c.1795C>T), located in coding exon 16 of the PRDM5 gene, results from a C to T substitution at nucleotide position 1795. The arginine at codon 599 is replaced by cysteine, an amino acid with highly dissimilar properties. This amino acid position is conserved. In addition, this alteration is predicted to be deleterious by in silico analysis. Since supporting evidence is limited at this time, the clinical significance of this alteration remains unclear.

Genome Diagnostics Laboratory, The Hospital for Sick Children
Classification: Uncertain significance for Ehlers-Danlos syndrome. Last evaluated: 2020-03-01. Review status: criteria provided, single submitter. Criteria: ACMG Guidelines, 2015. Collection method: clinical testing. Allele origin: germline.

NM_018699.4(PRDM5):c.1795C>T (p.Arg599Cys)

Gene: PRDM5 (PR/SET domain 5; minus strand). Cytogenetic location: 4q27.
Variant type: single nucleotide variant.
Coding change: c.1795C>T on transcript NM_018699.4 (MANE Select); coding-DNA position 1795, C replaced by T.
Protein change: p.Arg599Cys; replaces arginine 599 with cysteine.
Molecular consequence: missense variant. On other transcripts: 3 prime UTR variant (1).
Genome position (GRCh38, 1-based): chr4:120,695,209, G>A on the plus strand (C>T on the coding strand, the complement: PRDM5 is on the minus strand). VCF-style: chr4-120695209-G-A. GRCh37 (hg19) VCF-style: chr4-121616364-G-A.
Other names: p.Arg599Cys; c.1795C>T (NM_018699.2); c.1702C>T, p.Arg568Cys (NM_001300823.2); c.*110C>T (NM_001300824.2); c.1828C>T, p.Arg610Cys (NM_001379104.1); c.1597C>T, p.Arg533Cys (NM_001379106.1); short protein forms R533C, R568C, R599C, R610C.
Identifiers: ClinVar variation 1702269 (VCV001702269.5), dbSNP rs1451159185, ClinGen allele CA358206517.